The following is an entry in ClinVar:

NC_000021.8:g.(?_45743649)_(45843615_?)del

Genes: CFAP410 (cilia and flagella associated protein 410; minus strand), PFKL (phosphofructokinase, liver type; plus strand), TRPM2 (transient receptor potential cation channel subfamily M member 2; plus strand). Cytogenetic location: 21q22.3.
Variant type: Deletion.
Identifiers: ClinVar variation 3248185 (VCV003248185.1).

ClinVar aggregate classification (germline): Pathogenic (1 of 4 stars; one submission).

Submission:

Labcorp Genetics (formerly Invitae), Labcorp
Classification: Pathogenic. Last evaluated: 2023-11-06. Review status: criteria provided, single submitter. Criteria: Invitae Variant Classification Sherloc (09022015). Collection method: clinical testing. Allele origin: unknown.
Comment: A gross deletion of the genomic region encompassing the full coding sequence of the C21orf2 gene has been identified. Loss-of-function variants in C21orf2 are known to be pathogenic (PMID: 23105016, 26167768). The boundaries of this event are unknown as they extend beyond the assayed region for this gene and therefore may encompass additional genes. This variant has not been reported in the literature in individuals affected with C21orf2-related conditions. For these reasons, this variant has been classified as Pathogenic.

Literature cited by the submitters: PubMed 23105016; PubMed 26167768.